The following is an entry in ClinVar:

NC_000001.10:g.(?_25883624)_(25883778_?)del

Gene: LDLRAP1 (low density lipoprotein receptor adaptor protein 1; plus strand). Cytogenetic location: 1p36.11.
Variant type: Deletion.
Identifiers: ClinVar variation 3247772 (VCV003247772.1).

ClinVar aggregate classification (germline): Pathogenic (1 of 4 stars; one submission).

Conditions:
Hypercholesterolemia, familial, 4 (FHCL4). Also called: HYPERCHOLESTEROLEMIA, AUTOSOMAL RECESSIVE, 1; HYPERCHOLESTEROLEMIA, AUTOSOMAL RECESSIVE, 2. Identifiers: Orphanet 391665, MedGen C1863512, MONDO:0011374, OMIM 603813.

Submission:

Labcorp Genetics (formerly Invitae), Labcorp
Classification: Pathogenic for Hypercholesterolemia, familial, 4. Last evaluated: 2024-01-15. Review status: criteria provided, single submitter. Criteria: Invitae Variant Classification Sherloc (09022015). Collection method: clinical testing. Allele origin: unknown.
Comment: This variant is a gross deletion of the genomic region encompassing exon(s) 4 of the LDLRAP1 gene. This deletion is out-of-frame, and is expected to create a premature termination codon and result in an absent or disrupted protein product. Loss-of-function variants in LDLRAP1 are known to be pathogenic (PMID: 11326085, 12464675). A similar copy number variant has been observed in individual(s) with familial hypercholesterolemia (PMID: 17686643). For these reasons, this variant has been classified as Pathogenic.

Literature cited by the submitters: PubMed 11326085; PubMed 12464675; PubMed 17686643.